The following is an entry in ClinVar:

ClinVar aggregate classification (germline): Uncertain significance (1 of 4 stars; one submission).

Submission:

Women's Health and Genetics/Laboratory Corporation of America, LabCorp
Classification: Uncertain significance. Last evaluated: 2025-05-05. Review status: criteria provided, single submitter. Criteria: LabCorp Variant Classification Summary - May 2015. Collection method: clinical testing. Allele origin: germline.
Comment: Variant summary: KDM5C c.2243+3G>A alters a conserved nucleotide located close to a canonical splice site and therefore could affect mRNA splicing, leading to a significantly altered protein sequence. Consensus agreement among computation tools predict no significant impact on normal splicing. However, these predictions have yet to be confirmed by functional studies. The variant was absent in 183235 control chromosomes. The available data on variant occurrences in the general population are insufficient to allow any conclusion about variant significance. To our knowledge, no occurrence of c.2243+3G>A in individuals affected with Mental Retardation, Syndromic, Claes-Jensen Type, X-Linked and no experimental evidence demonstrating its impact on protein function have been reported. No submitters have cited clinical-significance assessments for this variant to ClinVar. Based on the evidence outlined above, the variant was classified as uncertain significance.

NM_004187.5(KDM5C):c.2243+3G>A

Gene: KDM5C (lysine demethylase 5C; minus strand). Cytogenetic location: Xp11.22.
Variant type: single nucleotide variant.
Coding change: c.2243+3G>A on transcript NM_004187.5 (MANE Select); 3 bases into the intron after coding-DNA position 2243, G replaced by A.
Molecular consequence: intron variant.
Genome position (GRCh38, 1-based): chrX:53,198,974, C>T on the plus strand (G>A on the coding strand, the complement: KDM5C is on the minus strand). VCF-style: chrX-53198974-C-T. GRCh37 (hg19) VCF-style: chrX-53228156-C-T.
Other names: c.2240+3G>A (NM_001353982.2, NM_001353979.2, NM_001282622.3); c.2243+3G>A (NM_001353981.2, NM_001353984.2, NM_001353978.3); c.2042+3G>A (NM_001146702.2).
Identifiers: ClinVar variation 3902514 (VCV003902514.1).